The following is an entry in ClinVar:

ClinVar aggregate classification (germline): Benign. Review status: criteria provided, multiple submitters, no conflicts (2 of 4 stars). 4 submissions from 4 submitters: Benign (4). Last evaluated 2024-01-24.

Conditions:
Schimke immuno-osseous dysplasia (SIOD). Also called: Schimke Immunoosseous Dysplasia. Identifiers: Orphanet 1830, MedGen C0877024, MONDO:0009458, OMIM 242900.

Allele frequency attached by ClinVar (database versions not stated): gnomAD 0.36760 and 0.36545; TOPMed 0.36939; 1000 Genomes Project 0.40276; 1000 Genomes Project 30x 0.40662; gnomAD exomes 0.30893.
gnomAD v4.1: 366,040 of 1,157,118 alleles (32%); highest among the groups gnomAD compares: African/African-American, 49%; 60,322 homozygotes.

Submissions (4):

Unidad de Genómica Garrahan, Hospital de Pediatría Garrahan
Classification: Benign. Last evaluated: 2024-01-24. Review status: criteria provided, single submitter. Criteria: ACMG Guidelines, 2015. Collection method: clinical testing. Allele origin: germline. Affected: no. Observed: 64 variant alleles.
Comment: This variant is classified as Benign based on local population frequency. This variant was detected in 67% of patients studied by a panel of primary immunodeficiencies. Number of patients: 64. Only high quality variants are reported.

Genome-Nilou Lab
Classification: Benign for Schimke immuno-osseous dysplasia. Last evaluated: 2021-07-10. Review status: criteria provided, single submitter. Criteria: ACMG Guidelines, 2015. Collection method: clinical testing. Allele origin: germline. Affected: no.

GeneDx
Classification: Benign. Last evaluated: 2018-11-12. Review status: criteria provided, single submitter. Criteria: GeneDx Variant Classification Process June 2021. Collection method: clinical testing. Allele origin: germline. Affected: yes.

Breakthrough Genomics
Classification: Benign. Review status: criteria provided, single submitter. Criteria: ACMG Guidelines, 2015. Collection method: not provided. Allele origin: germline. Inheritance: Autosomal recessive inheritance. Affected: yes.

NM_014140.4(SMARCAL1):c.2528+68T>C

Gene: SMARCAL1 (SNF2 related chromatin remodeling annealing helicase 1; plus strand). Cytogenetic location: 2q35.
Variant type: single nucleotide variant.
Coding change: c.2528+68T>C on transcript NM_014140.4 (MANE Select); 68 bases into the intron after coding-DNA position 2528, T replaced by C.
Molecular consequence: intron variant.
Genome position (GRCh38, 1-based): chr2:216,477,277, T>C. VCF-style: chr2-216477277-T-C. GRCh37 (hg19) VCF-style: chr2-217342000-T-C.
Other names: c.2528+68T>C (NM_001127207.2).
Identifiers: ClinVar variation 1184792 (VCV001184792.7), dbSNP rs284523, ClinGen allele CA11292599.